The following is an entry in ClinVar:

NC_000004.11:g.(?_120072007)_(120085569_?)dup

Gene: MYOZ2 (myozenin 2; plus strand). Cytogenetic location: 4q26.
Variant type: Duplication.
Identifiers: ClinVar variation 3246578 (VCV003246578.1).

ClinVar aggregate classification (germline): Uncertain significance (1 of 4 stars; one submission).

Conditions:
Hypertrophic cardiomyopathy. Also called: HYPERTROPHIC MYOCARDIOPATHY. Identifiers: Orphanet 217569, MedGen C0007194, MeSH D002312, MONDO:0005045, HP:0001639.

Submission:

Labcorp Genetics (formerly Invitae), Labcorp
Classification: Uncertain significance for Hypertrophic cardiomyopathy. Last evaluated: 2023-07-27. Review status: criteria provided, single submitter. Criteria: Invitae Variant Classification Sherloc (09022015). Collection method: clinical testing. Allele origin: unknown.
Comment: This variant results in a copy number gain of the genomic region encompassing exon(s) 3-5 of the MYOZ2 gene. While the exact position of this variant cannot be determined from the data, sub-genic copy number gains are generally in tandem (PMID: 25640679). This variant is predicted to be out-of-frame, and may result in an absent or disrupted protein product. However, the current clinical and genetic evidence is not sufficient to establish whether loss-of-function variants in MYOZ2 cause disease. This variant has not been reported in the literature in individuals affected with MYOZ2-related conditions. In summary, the available evidence is currently insufficient to determine the role of this variant in disease. Therefore, it has been classified as a Variant of Uncertain Significance.

Literature cited by the submitters: PubMed 25640679.